The following is an entry in ClinVar:

NM_000278.5(PAX2):c.867C>G (p.Asn289Lys)

Gene: PAX2 (paired box 2; plus strand). Cytogenetic location: 10q24.31.
Variant type: single nucleotide variant.
Coding change: c.867C>G on transcript NM_000278.5 (MANE Select); coding-DNA position 867, C replaced by G.
Protein change: p.Asn289Lys; replaces asparagine 289 with lysine.
Molecular consequence: missense variant.
Genome position (GRCh38, 1-based): chr10:100,809,184, C>G. VCF-style: chr10-100809184-C-G. GRCh37 (hg19) VCF-style: chr10-102568941-C-G.
Other names: c.960C>G, p.Asn320Lys (NM_001304569.2); c.936C>G, p.Asn312Lys (NM_003987.5, NM_003990.5); c.867C>G, p.Asn289Lys (NM_003988.5, NM_003989.5); c.936C>G (NM_003987.3, NM_003990.4, NM_003990.3); short protein forms N312K, N289K, N320K.
Identifiers: ClinVar variation 534188 (VCV000534188.17), dbSNP rs199724772, ClinGen allele CA5650881.

ClinVar aggregate classification (germline): Conflicting classifications of pathogenicity. Review status: criteria provided, conflicting classifications (1 of 4 stars). 7 submissions from 7 submitters: Uncertain significance (2); Likely benign (4). 1 of the submissions does not count toward it. Last evaluated 2026-01-12.

Conditions:
PAX2-Related Disorder. Also called: PAX2-related disorders. Identifiers: MedGen CN381309.
Renal coloboma syndrome (PAPRS). Also called: PAPILLORENAL SYNDROME; OPTIC COLOBOMA, VESICOURETERAL REFLUX, AND RENAL ANOMALIES; OPTIC NERVE COLOBOMA WITH RENAL DISEASE; RENAL-COLOBOMA SYNDROME WITH MACULAR ABNORMALITIES; PAPILLORENAL SYNDROME WITH MILD OCULAR ABNORMALITIES; CONGENITAL ANOMALIES OF THE KIDNEY AND URINARY TRACT WITH OR WITHOUT OCULAR ABNORMALITIES. Identifiers: Orphanet 1475, MedGen C1852759, MONDO:0007352, OMIM 120330.
Focal segmental glomerulosclerosis 7 (FSGS7). Identifiers: Orphanet 656, MedGen C4014925, MONDO:0014451, OMIM 616002.
Inborn genetic diseases. Identifiers: MedGen C0950123, MeSH D030342.

Allele frequency attached by ClinVar (database versions not stated): TOPMed 0.00017; gnomAD 0.00019; ESP Exome Variant Server 0.00031.
gnomAD v4.1: 256 of 1,613,818 alleles (0.016%); highest among the groups gnomAD compares: Middle Eastern, 0.41%; no homozygotes.

Submissions (7):

Labcorp Genetics (formerly Invitae), Labcorp
Classification: Likely benign for Renal coloboma syndrome; Focal segmental glomerulosclerosis 7. Last evaluated: 2026-01-12. Review status: criteria provided, single submitter. Criteria: Invitae Variant Classification Sherloc (09022015). Collection method: clinical testing. Allele origin: germline.

GeneDx
Classification: Uncertain significance. Last evaluated: 2025-12-02. Review status: criteria provided, single submitter. Criteria: GeneDx Variant Classification Process June 2021. Collection method: clinical testing. Allele origin: germline.
Comment: Reported in a patient with congenital anomalies of kidney and urinary tract in published literature (PMID: 24429398); In silico analysis supports that this missense variant has a deleterious effect on protein structure/function; This variant is associated with the following publications: (PMID: 24429398)

Genomic Medicine Center of Excellence, King Faisal Specialist Hospital and Research Centre
Classification: Likely benign. Last evaluated: 2025-08-18. Review status: criteria provided, single submitter. Criteria: ACMG Guidelines, 2015. Collection method: clinical testing. Allele origin: germline.

Blueprint Genetics
Classification: Likely benign. Last evaluated: 2024-10-14. Review status: criteria provided, single submitter. Criteria: ACMG Guidelines, 2015. Collection method: clinical testing. Allele origin: germline.

Ambry Genetics
Classification: Uncertain significance for Inborn genetic diseases. Last evaluated: 2022-07-07. Review status: criteria provided, single submitter. Criteria: Ambry Variant Classification Scheme 2023. Collection method: clinical testing. Allele origin: germline.

Breakthrough Genomics
Classification: Likely benign. Review status: criteria provided, single submitter. Criteria: ACMG Guidelines, 2015. Collection method: not provided. Allele origin: germline. Inheritance: Autosomal dominant inheritance. Affected: yes.

PreventionGenetics, part of Exact Sciences
Classification: Likely benign for PAX2-related condition. Last evaluated: 2020-02-14. Review status: no assertion criteria provided. Collection method: clinical testing. Allele origin: germline. Not counted in ClinVar's aggregate classification.
Comment: This variant is classified as likely benign based on ACMG/AMP sequence variant interpretation guidelines (Richards et al. 2015 PMID: 25741868, with internal and published modifications).